The following is an entry in ClinVar:

ClinVar aggregate classification (germline): Likely benign (1 of 4 stars; one submission).

Conditions:
Glucocorticoid resistance. Also called: Gccr deficiency; Glucocorticoid receptor deficiency; Cortisol resistance from glucocorticoid receptor defect; Gcr deficiency; Glucocorticoid resistance, generalized. Identifiers: Orphanet 786, MedGen C1841972, MONDO:0014421, OMIM 615962.

Allele frequency attached by ClinVar (database versions not stated): gnomAD 0.00061 and 0.00098; TOPMed 0.00098; gnomAD exomes 0.00146; 1000 Genomes Project 30x 0.00609; 1000 Genomes Project 0.00639.
gnomAD v4.1: 436 of 348,162 alleles (0.13%); highest among the groups gnomAD compares: East Asian, 2.2%; 5 homozygotes.

Submission:

Illumina Laboratory Services, Illumina
Classification: Likely benign for Glucocorticoid resistance. Last evaluated: 2018-01-12. Review status: criteria provided, single submitter. Criteria: ICSL Variant Classification Criteria 13 December 2019. Collection method: clinical testing. Allele origin: germline.
Comment: This variant was observed in the ICSL laboratory as part of a predisposition screen in an ostensibly healthy population. It had not been previously curated by ICSL or reported in the Human Gene Mutation Database (HGMD: prior to June 1st, 2018), and was therefore a candidate for classification through an automated scoring system. Utilizing variant allele frequency, disease prevalence and penetrance estimates, and inheritance mode, an automated score was calculated to assess if this variant is too frequent to cause the disease. Based on the score and internal cut-off values, a variant classified as likely benign is not then subjected to further curation. The score for this variant resulted in a classification of likely benign for this disease.

NM_000176.3(NR3C1):c.*290A>C

Gene: NR3C1 (nuclear receptor subfamily 3 group C member 1; minus strand). Cytogenetic location: 5q31.3.
Variant type: single nucleotide variant.
Coding change: c.*290A>C on transcript NM_000176.3 (MANE Select); 290 bases downstream of the stop codon, A replaced by C.
Molecular consequence: 3 prime UTR variant. On other transcripts: non-coding transcript variant (1), intron variant (1).
Genome position (GRCh38, 1-based): chr5:143,281,599, T>G on the plus strand (A>C on the coding strand, the complement: NR3C1 is on the minus strand). VCF-style: chr5-143281599-T-G. GRCh37 (hg19) VCF-style: chr5-142661164-T-G.
Other names: c.*290A>C (NM_001018074.1, NM_001018075.1, NM_001018076.2 and 15 more transcripts); c.2181+969A>C (NM_001020825.2).
Identifiers: ClinVar variation 351359 (VCV000351359.5), dbSNP rs72542758, ClinGen allele CA10619248.